The following is an entry in ClinVar:

ClinVar aggregate classification (germline): Uncertain significance. Review status: criteria provided, multiple submitters, no conflicts (2 of 4 stars). 3 submissions from 3 submitters: Uncertain significance (2). 1 of the submissions does not count toward it. Last evaluated 2025-12-30.

Conditions:
Deafness-lymphedema-leukemia syndrome. Also called: Lymphedema, primary, with myelodysplasia; Emberger syndrome. Identifiers: Orphanet 3226, MedGen C3279664, MONDO:0013540, OMIM 614038.
Monocytopenia with susceptibility to infections. Also called: GATA2 DEFICIENCY; MONOCYTOPENIA AND MYCOBACTERIAL INFECTION SYNDROME; MONOCYTOPENIA WITH SUSCEPTIBILITY TO MYCOBACTERIAL, FUNGAL, AND PAPILLOMAVIRUS INFECTIONS AND MYELODYSPLASIA; COMBINED IMMUNODEFICIENCY WITH SUSCEPTIBILITY TO MYCOBACTERIAL, VIRAL, AND FUNGAL INFECTIONS; Dendritic cell, monocyte, B lymphocyte, and natural killer lymphocyte deficiency; IMMUNODEFICIENCY 21. Identifiers: Orphanet 228423, MedGen C3280030, MONDO:0013607, OMIM 614172.
Inborn genetic diseases. Identifiers: MedGen C0950123, MeSH D030342.

Allele frequency attached by ClinVar (database versions not stated): gnomAD 0.00001; ExAC 0.00002; gnomAD exomes 0.00001; TOPMed 0.00001.
gnomAD v4.1: 5 of 1,613,878 alleles (0.00031%); highest among the groups gnomAD compares: Admixed American, 0.0033%; no homozygotes.

Submissions (3):

Labcorp Genetics (formerly Invitae), Labcorp
Classification: Uncertain significance for Monocytopenia with susceptibility to infections; Deafness-lymphedema-leukemia syndrome. Last evaluated: 2025-12-30. Review status: criteria provided, single submitter. Criteria: Invitae Variant Classification Sherloc (09022015). Collection method: clinical testing. Allele origin: germline.
Comment: This sequence change replaces glycine, which is neutral and non-polar, with arginine, which is basic and polar, at codon 268 of the GATA2 protein (p.Gly268Arg). This variant is present in population databases (rs764747992, gnomAD 0.01%). This variant has not been reported in the literature in individuals affected with GATA2-related conditions. ClinVar contains an entry for this variant (Variation ID: 2443136). Invitae Evidence Modeling of protein sequence and biophysical properties (such as structural, functional, and spatial information, amino acid conservation, physicochemical variation, residue mobility, and thermodynamic stability) has been performed for this missense variant. However, the output from this modeling did not meet the statistical confidence thresholds required to predict the impact of this variant on GATA2 protein function. In summary, the available evidence is currently insufficient to determine the role of this variant in disease. Therefore, it has been classified as a Variant of Uncertain Significance.

Ambry Genetics
Classification: Uncertain significance for Inborn genetic diseases. Last evaluated: 2024-10-29. Review status: criteria provided, single submitter. Criteria: Ambry Variant Classification Scheme 2023. Collection method: clinical testing. Allele origin: germline.
Comment: The p.G268R variant (also known as c.802G>A), located in coding exon 2 of the GATA2 gene, results from a G to A substitution at nucleotide position 802. The glycine at codon 268 is replaced by arginine, an amino acid with dissimilar properties. This amino acid position is well conserved in available vertebrate species. In addition, this alteration is predicted to be deleterious by in silico analysis. Based on the available evidence, the clinical significance of this variant remains unclear.

Genetic Services Laboratory, University of Chicago
Classification: Uncertain significance. Last evaluated: 2022-07-27. Review status: no assertion criteria provided. Collection method: clinical testing. Allele origin: germline. Affected: no. Not counted in ClinVar's aggregate classification.
Comment: DNA sequence analysis of the GATA2 gene demonstrated a sequence change, c.802G>A, in exon 3 that results in an amino acid change, p.Gly268Arg. This sequence change does not appear to have been previously described in individuals with GATA2-related disorders. This sequence change has been described in the gnomAD database with a frequency of 0.013% in the African subpopulation (dbSNP rs764747992. The p.Gly268Arg change affects a highly conserved amino acid residue located in a domain of the GATA2 protein that is known to be functional. In-silico pathogenicity prediction tools (SIFT, PolyPhen2, Align GVGD, REVEL) provide contradictory results for the p.Gly268Arg substitution. Due to insufficient evidences and the lack of functional studies, the clinical significance of the p.Gly268Arg change remains unknown at this time. Germline pathogenic variants in GATA2 have been described in association with immunodeficiency [OMIM# 614172] and Emberger syndrome [OMIM# 614038]. Clinical phenotypes include immunodeficiency with marked susceptibility to EBV, HPV, and other viruses, atypical mycobacteria, and fungal infections. Transformation to myelodysplastic syndrome/acute myeloid leukemia (MDS/AML) is usually preceded by a period of bone marrow failure. Monosomy 7 and/or somatic ASXL1 mutations are often present at transformation (PMID: 30047422).

NM_032638.5(GATA2):c.802G>A (p.Gly268Arg)

Gene: GATA2 (GATA binding protein 2; minus strand). Cytogenetic location: 3q21.3.
Variant type: single nucleotide variant.
Coding change: c.802G>A on transcript NM_032638.5 (MANE Select); coding-DNA position 802, G replaced by A.
Protein change: p.Gly268Arg; replaces glycine 268 with arginine.
Molecular consequence: missense variant.
Genome position (GRCh38, 1-based): chr3:128,485,796, C>T on the plus strand (G>A on the coding strand, the complement: GATA2 is on the minus strand). VCF-style: chr3-128485796-C-T. GRCh37 (hg19) VCF-style: chr3-128204639-C-T.
Other names: c.802G>A, p.Gly268Arg (NM_001145661.2, NM_001145662.1); short protein forms G268R.
Identifiers: ClinVar variation 2443136 (VCV002443136.6), dbSNP rs764747992, ClinGen allele CA2599960.